The following is an entry in ClinVar:

NM_001365536.1(SCN9A):c.2072G>A (p.Ser691Asn)

Genes: SCN9A (sodium voltage-gated channel alpha subunit 9; minus strand), SCN1A-AS1 (SCN1A and SCN9A antisense RNA 1; plus strand). Cytogenetic location: 2q24.3.
Variant type: single nucleotide variant.
Coding change: c.2072G>A on transcript NM_001365536.1 (MANE Select); coding-DNA position 2072, G replaced by A.
Protein change: p.Ser691Asn; replaces serine 691 with asparagine.
Molecular consequence: missense variant.
Genome position (GRCh38, 1-based): chr2:166,281,711, C>T on the plus strand (G>A on the coding strand, the complement: SCN9A is on the minus strand). VCF-style: chr2-166281711-C-T. GRCh37 (hg19) VCF-style: chr2-167138221-C-T.
Other names: c.2039G>A, p.Ser680Asn (NM_002977.4); short protein forms S680N, S691N.
Identifiers: ClinVar variation 2946376 (VCV002946376.4), dbSNP rs1697496519, ClinGen allele CA349080983.

ClinVar aggregate classification (germline): Uncertain significance. Review status: criteria provided, multiple submitters, no conflicts (2 of 4 stars). 2 submissions from 2 submitters: Uncertain significance (2). Last evaluated 2025-05-27.

Conditions:
Neuropathy, hereditary sensory and autonomic, type 2A (HSAN2A). Also called: HSAN IIA; WNK1-Related HSAN2 (HSAN2A); ACROOSTEOLYSIS, GIACCAI TYPE; ACROOSTEOLYSIS, NEUROGENIC; MORVAN DISEASE; NEUROPATHY, CONGENITAL SENSORY. Identifiers: Orphanet 970, MedGen C2752089, MONDO:0024309, OMIM 201300.
Generalized epilepsy with febrile seizures plus, type 7 (GEFSP7). Also called: GEFS+, TYPE 7. Identifiers: Orphanet 36387, MedGen C2751778, MONDO:0013470, OMIM 613863.

Submissions (2):

GeneDx
Classification: Uncertain significance. Last evaluated: 2025-05-27. Review status: criteria provided, single submitter. Criteria: GeneDx Variant Classification Process June 2021. Collection method: clinical testing. Allele origin: germline. Affected: yes.
Comment: Not observed at significant frequency in large population cohorts (gnomAD); In silico analysis supports that this missense variant has a deleterious effect on protein structure/function; Has not been previously published as pathogenic or benign to our knowledge

Labcorp Genetics (formerly Invitae), Labcorp
Classification: Uncertain significance for Neuropathy, hereditary sensory and autonomic, type 2A; Generalized epilepsy with febrile seizures plus, type 7. Last evaluated: 2023-06-07. Review status: criteria provided, single submitter. Criteria: Invitae Variant Classification Sherloc (09022015). Collection method: clinical testing. Allele origin: germline.
Comment: This sequence change replaces serine, which is neutral and polar, with asparagine, which is neutral and polar, at codon 680 of the SCN9A protein (p.Ser680Asn). In summary, the available evidence is currently insufficient to determine the role of this variant in disease. Therefore, it has been classified as a Variant of Uncertain Significance. Advanced modeling of protein sequence and biophysical properties (such as structural, functional, and spatial information, amino acid conservation, physicochemical variation, residue mobility, and thermodynamic stability) performed at Invitae indicates that this missense variant is not expected to disrupt SCN9A protein function. This variant has not been reported in the literature in individuals affected with SCN9A-related conditions. This variant is not present in population databases (gnomAD no frequency).